The following is an entry in ClinVar:

ClinVar aggregate classification (germline): Uncertain significance (1 of 4 stars; one submission).

Submission:

Dasa
Classification: Uncertain significance. Last evaluated: 2026-02-27. Review status: criteria provided, single submitter. Criteria: DASA Assertion Criteria. Collection method: clinical testing. Allele origin: germline.
Comment: NM_001008216.2(GALE):c.1037C>T (p.Thr346Met) is a missense variant that results in the substitution of threonine with methionine. This variant is rare in population databases. The currently available literature and clinical evidence are not sufficient to establish a definitive association between this variant and the reported condition. Therefore, this variant is classified as a variant of uncertain significance.

NM_001008216.2(GALE):c.1037C>T (p.Thr346Met)

Gene: GALE (UDP-galactose-4-epimerase; minus strand). Cytogenetic location: 1p36.11.
Variant type: single nucleotide variant.
Coding change: c.1037C>T on transcript NM_001008216.2 (MANE Select); coding-DNA position 1037, C replaced by T.
Protein change: p.Thr346Met; replaces threonine 346 with methionine.
Molecular consequence: missense variant.
Genome position (GRCh38, 1-based): chr1:23,795,959, G>A on the plus strand (C>T on the coding strand, the complement: GALE is on the minus strand). VCF-style: chr1-23795959-G-A. GRCh37 (hg19) VCF-style: chr1-24122449-G-A.
Other names: c.1037C>T, p.Thr346Met (NM_000403.4, NM_001127621.2); short protein forms T346M.
Identifiers: ClinVar variation 4885250 (VCV004885250.2).